The following is an entry in ClinVar:

NM_001103.4(ACTN2):c.2506C>A (p.Arg836=)

Gene: ACTN2 (actinin alpha 2; plus strand). Cytogenetic location: 1q43.
Variant type: single nucleotide variant.
Coding change: c.2506C>A on transcript NM_001103.4 (MANE Select); coding-DNA position 2506, C replaced by A.
Protein change: p.Arg836=; no amino-acid change (arginine 836 retained).
Molecular consequence: synonymous variant.
Genome position (GRCh38, 1-based): chr1:236,761,153, C>A. VCF-style: chr1-236761153-C-A. GRCh37 (hg19) VCF-style: chr1-236924453-C-A.
Other names: c.2506C>A, p.Arg836= (NM_001278343.2); c.1882C>A, p.Arg628= (NM_001278344.2).
Identifiers: ClinVar variation 162744 (VCV000162744.4), dbSNP rs727502887, ClinGen allele CA175236.

ClinVar aggregate classification (germline): Likely benign (1 of 4 stars; one submission).

Submission:

Laboratory for Molecular Medicine, Mass General Brigham Personalized Medicine
Classification: Likely benign. Last evaluated: 2013-08-16. Review status: criteria provided, single submitter. Criteria: LMM Criteria. Collection method: clinical testing. Allele origin: germline. Observed: 1 variant allele.
Comment: Arg836Arg in exon 20 of ACTN2: This variant is not expected to have clinical sig nificance because not does not alter an amino acid residue and is not located wi thin the conserved splice consensus sequence.